The following is an entry in ClinVar:

NM_001170629.2(CHD8):c.6595G>A (p.Asp2199Asn)

Gene: CHD8 (chromodomain helicase DNA binding protein 8; minus strand). Cytogenetic location: 14q11.2.
Variant type: single nucleotide variant.
Coding change: c.6595G>A on transcript NM_001170629.2 (MANE Select); coding-DNA position 6595, G replaced by A.
Protein change: p.Asp2199Asn; replaces aspartic acid 2199 with asparagine.
Molecular consequence: missense variant.
Genome position (GRCh38, 1-based): chr14:21,392,683, C>T on the plus strand (G>A on the coding strand, the complement: CHD8 is on the minus strand). VCF-style: chr14-21392683-C-T. GRCh37 (hg19) VCF-style: chr14-21860842-C-T.
Other names: c.5758G>A, p.Asp1920Asn (NM_020920.4); short protein forms D2199N, D1920N.
Identifiers: ClinVar variation 1490885 (VCV001490885.7), dbSNP rs1887600303, ClinGen allele CA388878562.

ClinVar aggregate classification (germline): Uncertain significance. Review status: criteria provided, multiple submitters, no conflicts (2 of 4 stars). 2 submissions from 2 submitters: Uncertain significance (2). Last evaluated 2024-05-15.

Allele frequency attached by ClinVar (database versions not stated): gnomAD exomes below 0.00001.
gnomAD v4.1: 12 of 1,614,016 alleles (0.00074%); highest among the groups gnomAD compares: African/African-American, 0.0067%; no homozygotes.

Submissions (2):

Labcorp Genetics (formerly Invitae), Labcorp
Classification: Uncertain significance. Last evaluated: 2024-05-15. Review status: criteria provided, single submitter. Criteria: Invitae Variant Classification Sherloc (09022015). Collection method: clinical testing. Allele origin: germline.
Comment: This sequence change replaces aspartic acid, which is acidic and polar, with asparagine, which is neutral and polar, at codon 2199 of the CHD8 protein (p.Asp2199Asn). This variant is not present in population databases (gnomAD no frequency). This variant has not been reported in the literature in individuals affected with CHD8-related conditions. ClinVar contains an entry for this variant (Variation ID: 1490885). Advanced modeling of protein sequence and biophysical properties (such as structural, functional, and spatial information, amino acid conservation, physicochemical variation, residue mobility, and thermodynamic stability) performed at Invitae indicates that this missense variant is not expected to disrupt CHD8 protein function with a negative predictive value of 80%. In summary, the available evidence is currently insufficient to determine the role of this variant in disease. Therefore, it has been classified as a Variant of Uncertain Significance.

Blueprint Genetics
Classification: Uncertain significance. Last evaluated: 2021-12-15. Review status: criteria provided, single submitter. Criteria: ACMG Guidelines, 2015. Collection method: clinical testing. Allele origin: germline.